The following is an entry in ClinVar:

NM_001042492.3(NF1):c.7038T>G (p.Asp2346Glu)

Gene: NF1 (neurofibromin 1; plus strand). Cytogenetic location: 17q11.2.
Variant type: single nucleotide variant.
Coding change: c.7038T>G on transcript NM_001042492.3 (MANE Select); coding-DNA position 7038, T replaced by G.
Protein change: p.Asp2346Glu; replaces aspartic acid 2346 with glutamic acid.
Molecular consequence: missense variant.
Genome position (GRCh38, 1-based): chr17:31,340,621, T>G. VCF-style: chr17-31340621-T-G. GRCh37 (hg19) VCF-style: chr17-29667639-T-G.
Other names: c.6975T>G, p.Asp2325Glu (NM_000267.4); short protein forms D2346E, D2325E.
Identifiers: ClinVar variation 2452290 (VCV002452290.5), dbSNP rs1597848208, ClinGen allele CA399015155.
Genomic context (GRCh38, chr17:31,340,621, plus strand): 5'-TGAGGTCAACTTGTATTCAGCAGGTACCGCACTTCTTGAACAAAACCTGCATACTTTAGA[T>G]AGTCTCCGTATATTCAATGACAAGGTAAGCAAACTTTGCCTTGAGGTTCCTAGATTACTC-3'
Protein context (NP_001035957.1, residues 2336-2356): ALLEQNLHTL[Asp2346Glu]SLRIFNDKSP

ClinVar aggregate classification (germline): Uncertain significance. Review status: criteria provided, multiple submitters, no conflicts (2 of 4 stars). 2 submissions from 2 submitters: Uncertain significance (2). Last evaluated 2023-02-14.

Conditions:
Cardiovascular phenotype. Identifiers: MedGen CN230736.
Hereditary cancer-predisposing syndrome. Also called: Hereditary neoplastic syndrome; Tumor predisposition; Neoplastic Syndromes, Hereditary; Hereditary Cancer Syndrome. Identifiers: Orphanet 140162, MedGen C0027672, MeSH D009386, MONDO:0015356.
Neurofibromatosis, type 1 (NF1). Also called: Peripheral type neurofibromatosis; Neurofibromatosis, type I; VON RECKLINGHAUSEN DISEASE; NEUROFIBROMATOSIS, TYPE I, SOMATIC. Identifiers: Orphanet 636, MedGen C0027831, MONDO:0018975, OMIM 162200. Disease mechanism: loss of function.

Submissions (2):

Labcorp Genetics (formerly Invitae), Labcorp
Classification: Uncertain significance for Neurofibromatosis, type 1. Last evaluated: 2023-02-14. Review status: criteria provided, single submitter. Criteria: Invitae Variant Classification Sherloc (09022015). Collection method: clinical testing. Allele origin: germline.
Comment: This variant has not been reported in the literature in individuals affected with NF1-related conditions. This variant is not present in population databases (gnomAD no frequency). This sequence change replaces aspartic acid, which is acidic and polar, with glutamic acid, which is acidic and polar, at codon 2325 of the NF1 protein (p.Asp2325Glu). Advanced modeling of protein sequence and biophysical properties (such as structural, functional, and spatial information, amino acid conservation, physicochemical variation, residue mobility, and thermodynamic stability) performed at Invitae indicates that this missense variant is not expected to disrupt NF1 protein function. In summary, the available evidence is currently insufficient to determine the role of this variant in disease. Therefore, it has been classified as a Variant of Uncertain Significance. RNA analysis performed to evaluate the impact of this missense change on mRNA splicing indicates it does not significantly alter splicing (Invitae).

Ambry Genetics
Classification: Uncertain significance for Cardiovascular phenotype; Hereditary cancer-predisposing syndrome. Last evaluated: 2023-01-21. Review status: criteria provided, single submitter. Criteria: Ambry Variant Classification Scheme 2023. Collection method: clinical testing. Allele origin: germline.
Comment: The p.D2325E variant (also known as c.6975T>G), located in coding exon 46 of the NF1 gene, results from a T to G substitution at nucleotide position 6975. The aspartic acid at codon 2325 is replaced by glutamic acid, an amino acid with highly similar properties. This amino acid position is conserved. In addition, this alteration is predicted to be tolerated by in silico analysis. Since supporting evidence is limited at this time, the clinical significance of this alteration remains unclear.